The following is an entry in ClinVar:

NM_006516.4(SLC2A1):c.452C>T (p.Ala151Val)

Gene: SLC2A1 (solute carrier family 2 member 1; minus strand). Cytogenetic location: 1p34.2.
Variant type: single nucleotide variant.
Coding change: c.452C>T on transcript NM_006516.4 (MANE Select); coding-DNA position 452, C replaced by T.
Protein change: p.Ala151Val; replaces alanine 151 with valine.
Molecular consequence: missense variant.
Genome position (GRCh38, 1-based): chr1:42,930,690, G>A on the plus strand (C>T on the coding strand, the complement: SLC2A1 is on the minus strand). VCF-style: chr1-42930690-G-A. GRCh37 (hg19) VCF-style: chr1-43396361-G-A.
Other names: c.452C>T (NM_006516.2); short protein forms A151V.
Identifiers: ClinVar variation 3633555 (VCV003633555.3).

ClinVar aggregate classification (germline): Uncertain significance. Review status: criteria provided, multiple submitters, no conflicts (2 of 4 stars). 2 submissions from 2 submitters: Uncertain significance (2). Last evaluated 2024-11-26.

Conditions:
GLUT1 deficiency syndrome 1, autosomal recessive. Identifiers: MedGen C3149117.

Submissions (2):

GeneDx
Classification: Uncertain significance. Last evaluated: 2024-11-26. Review status: criteria provided, single submitter. Criteria: GeneDx Variant Classification Process June 2021. Collection method: clinical testing. Allele origin: germline. Affected: yes.
Comment: Not observed at significant frequency in large population cohorts (gnomAD); In silico analysis supports that this missense variant has a deleterious effect on protein structure/function; Has not been previously published as pathogenic or benign to our knowledge

Labcorp Genetics (formerly Invitae), Labcorp
Classification: Uncertain significance for GLUT1 deficiency syndrome 1, autosomal recessive. Last evaluated: 2024-11-21. Review status: criteria provided, single submitter. Criteria: Invitae Variant Classification Sherloc (09022015). Collection method: clinical testing. Allele origin: germline.
Comment: This sequence change replaces alanine, which is neutral and non-polar, with valine, which is neutral and non-polar, at codon 151 of the SLC2A1 protein (p.Ala151Val). This variant is not present in population databases (gnomAD no frequency). This variant has not been reported in the literature in individuals affected with SLC2A1-related conditions. Invitae Evidence Modeling of protein sequence and biophysical properties (such as structural, functional, and spatial information, amino acid conservation, physicochemical variation, residue mobility, and thermodynamic stability) has been performed for this missense variant. However, the output from this modeling did not meet the statistical confidence thresholds required to predict the impact of this variant on SLC2A1 protein function. In summary, the available evidence is currently insufficient to determine the role of this variant in disease. Therefore, it has been classified as a Variant of Uncertain Significance.